The following is an entry in ClinVar:

ClinVar aggregate classification (germline): Pathogenic. Review status: criteria provided, multiple submitters, no conflicts (2 of 4 stars). 5 submissions from 5 submitters: Pathogenic (5). Last evaluated 2026-07-06.

Conditions:
Neurofibromatosis, type 1 (NF1). Also called: NEUROFIBROMATOSIS, TYPE I, SOMATIC; Neurofibromatosis, type I; Peripheral type neurofibromatosis; VON RECKLINGHAUSEN DISEASE. Identifiers: Orphanet 636, MedGen C0027831, MONDO:0018975, OMIM 162200. Disease mechanism: loss of function.
Hereditary cancer-predisposing syndrome. Also called: Tumor predisposition; Hereditary neoplastic syndrome; Neoplastic Syndromes, Hereditary; Hereditary Cancer Syndrome. Identifiers: Orphanet 140162, MedGen C0027672, MeSH D009386, MONDO:0015356.
Cardiovascular phenotype. Identifiers: MedGen CN230736.

Submissions (6):

Kasturba Medical College, Manipal, Kasturba Medical College, Manipal, Manipal Academy of Higher Education, Manipal, India
Classification: Pathogenic for Neurofibromatosis, type 1. Last evaluated: 2026-07-06. Review status: criteria provided, single submitter. Criteria: ACMG Guidelines, 2015. Collection method: research. Allele origin: unknown. Inheritance: Autosomal dominant inheritance. Affected: yes. Observed: 1 variant allele, 1 heterozygote.
Comment: The variant c.1393_1394del is not reported in gnomAD (v4.1.0) population database and in our in-house data of 4303 exomes. This two base pair deletion likely causes shift in the reading frame of the transcript and introduces a premature termination codon, which may either result in a truncated protein or trigger nonsense-mediated mRNA decay.

Clinical Biomedical Laboratory, Shriners Hospital For Children - Canada
Classification: Pathogenic for Neurofibromatosis, type 1. Last evaluated: 2025-10-05. Review status: criteria provided, single submitter. Criteria: ACMG Guidelines, 2015. Collection method: clinical testing. Allele origin: germline. Affected: yes.
Comment: This variant is predicted to substitute a leucine residue by a tyrosine residue in exon 13 and introduce a stop codon 3 amino acids downstream. This is expected to lead to a premature stop codon in the affected transcript. This variant is absent from the Genome Aggregation Database (v2.1.1).

Genome-Nilou Lab
Classification: Pathogenic for Neurofibromatosis, type 1. Last evaluated: 2022-03-15. Review status: criteria provided, single submitter. Criteria: ACMG Guidelines, 2015. Collection method: clinical testing. Allele origin: germline. Affected: no.

Labcorp Genetics (formerly Invitae), Labcorp
Classification: Pathogenic for Neurofibromatosis, type 1. Last evaluated: 2021-04-28. Review status: criteria provided, single submitter. Criteria: Invitae Variant Classification Sherloc (09022015). Collection method: clinical testing. Allele origin: germline.
Comment: This variant has been reported in individuals in the Leiden Open-source Variation Database (PMID: 21520333). This sequence change creates a premature translational stop signal (p.Leu466Tyrfs*3) in the NF1 gene. It is expected to result in an absent or disrupted protein product. This variant is not present in population databases (ExAC no frequency). Loss-of-function variants in NF1 are known to be pathogenic (PMID: 10712197, 23913538). For these reasons, this variant has been classified as Pathogenic.

Ambry Genetics
Classification: Pathogenic for Cardiovascular phenotype; Hereditary cancer-predisposing syndrome. Last evaluated: 2019-09-11. Review status: criteria provided, single submitter. Criteria: Ambry Variant Classification Scheme 2023. Collection method: clinical testing. Allele origin: germline.
Comment: The c.1393_1394delAG pathogenic mutation, located in coding exon 13 of the NF1 gene, results from a deletion of two nucleotides at nucleotide positions 1393 to 1394, causing a translational frameshift with a predicted alternate stop codon (p.L466Yfs*3). This alteration is expected to result in loss of function by premature protein truncation or nonsense-mediated mRNA decay. As such, this alteration is interpreted as a disease-causing mutation.

Dr. Peter K. Rogan Lab, Western University
No classification provided (evidence only). Condition: Glioma susceptibility 1. Review status: no classification provided. Collection method: in vitro. Allele origin: not applicable. Functional consequence: skipped exon. Not counted in ClinVar's aggregate classification.

Literature cited by the submitters: PubMed 23913538 (cited by Clinical Biomedical Laboratory, Shriners Hospital For Children - Canada and Labcorp Genetics (formerly Invitae), Labcorp); PubMed 21520333 (cited by Labcorp Genetics (formerly Invitae), Labcorp); PubMed 10712197 (cited by Labcorp Genetics (formerly Invitae), Labcorp).

NM_001042492.3(NF1):c.1393_1394del

Gene: NF1 (neurofibromin 1; plus strand). Cytogenetic location: 17q11.2.
Variant type: Microsatellite.
Coding change: c.1393_1394del on transcript NM_001042492.3 (MANE Select); coding-DNA positions 1393 to 1394, 2 bases deleted (AG; older notation c.1393_1394delAG).
Molecular consequence: splice acceptor variant.
Genome position (GRCh38, 1-based): chr17:31,214,451-31,214,452, AG deleted; deleting any 2 consecutive bases within chr17:31,214,449-31,214,452 gives the same sequence; the c. name uses the placement nearest the transcript's 3' end. VCF-style (leftmost placement, unchanged base first): chr17-31214448-TAG-T. GRCh37 (hg19) VCF-style: chr17-29541466-TAG-T.
Other names: NC_000017.10:g.29541469_29541470del; c.1393_1394delAG (NM_000267.3).
Identifiers: ClinVar variation 653570 (VCV000653570.15), dbSNP rs1597698310, ClinGen allele CA645571230.